The following is an entry in ClinVar:

ClinVar aggregate classification (germline): Uncertain significance (1 of 4 stars; one submission).

gnomAD v4.1: 23 of 1,612,874 alleles (0.0014%); highest among the groups gnomAD compares: Non-Finnish European, 0.0019%; no homozygotes.

Submission:

Labcorp Genetics (formerly Invitae), Labcorp
Classification: Uncertain significance. Last evaluated: 2025-02-10. Review status: criteria provided, single submitter. Criteria: Invitae Variant Classification Sherloc (09022015). Collection method: clinical testing. Allele origin: germline.
Comment: This sequence change replaces tyrosine, which is neutral and polar, with phenylalanine, which is neutral and non-polar, at codon 25 of the WBP2 protein (p.Tyr25Phe). This variant is present in population databases (no rsID available, gnomAD 0.0009%). This variant has not been reported in the literature in individuals affected with WBP2-related conditions. ClinVar contains an entry for this variant (Variation ID: 1373436). Invitae Evidence Modeling of protein sequence and biophysical properties (such as structural, functional, and spatial information, amino acid conservation, physicochemical variation, residue mobility, and thermodynamic stability) has been performed for this missense variant. However, the output from this modeling did not meet the statistical confidence thresholds required to predict the impact of this variant on WBP2 protein function. In summary, the available evidence is currently insufficient to determine the role of this variant in disease. Therefore, it has been classified as a Variant of Uncertain Significance.

NM_012478.4(WBP2):c.74A>T (p.Tyr25Phe)

Gene: WBP2 (WW domain binding protein 2; minus strand). Cytogenetic location: 17q25.1.
Variant type: single nucleotide variant.
Coding change: c.74A>T on transcript NM_012478.4 (MANE Select); coding-DNA position 74, A replaced by T.
Protein change: p.Tyr25Phe; replaces tyrosine 25 with phenylalanine.
Molecular consequence: missense variant.
Genome position (GRCh38, 1-based): chr17:75,851,662, T>A on the plus strand (A>T on the coding strand, the complement: WBP2 is on the minus strand). VCF-style: chr17-75851662-T-A. GRCh37 (hg19) VCF-style: chr17-73847743-T-A.
Other names: c.74A>T, p.Tyr25Phe (NM_001330499.2, NM_001348170.1); short protein forms Y25F.
Identifiers: ClinVar variation 1373436 (VCV001373436.6), dbSNP rs745899193, ClinGen allele CA401129125.
Genomic context (GRCh38, chr17:75,851,662, plus strand): 5'-GTCCCTTTGAAGGCTTCTGGCACGTTCTTCATGTCATTGAATGTGAGTTCCACGTGATCA[T>A]AGGACATTAGGATGCTGTGATGAGAAAAGAGGAAAAGCCTCAATGAGACAGTATGGAGAC-3'
Protein context (NP_036610.2, residues 15-35): VNNTESILMS[Tyr25Phe]DHVELTFNDM